The following is an entry in ClinVar:

ClinVar aggregate classification (germline): Uncertain significance. Review status: criteria provided, multiple submitters, no conflicts (2 of 4 stars). 3 submissions from 3 submitters: Uncertain significance (2). 1 of the submissions does not count toward it. Last evaluated 2022-08-23.

Conditions:
Nemaline myopathy 2 (NEM2). Also called: Nemaline myopathy 2, autosomal recessive. Identifiers: MedGen C1850569, MONDO:0009725, OMIM 256030.

Allele frequency attached by ClinVar (database versions not stated): gnomAD exomes below 0.00001 and 0.00001; ExAC 0.00001.
gnomAD v4.1: 15 of 1,613,900 alleles (0.00093%); highest among the groups gnomAD compares: Admixed American, 0.005%; no homozygotes.

Submissions (3):

Labcorp Genetics (formerly Invitae), Labcorp
Classification: Uncertain significance for Nemaline myopathy 2. Last evaluated: 2022-08-23. Review status: criteria provided, single submitter. Criteria: Invitae Variant Classification Sherloc (09022015). Collection method: clinical testing. Allele origin: germline.
Comment: This sequence change replaces arginine, which is basic and polar, with tryptophan, which is neutral and slightly polar, at codon 2887 of the NEB protein (p.Arg2887Trp). This variant is present in population databases (rs748618562, gnomAD 0.003%). This variant has not been reported in the literature in individuals affected with NEB-related conditions. ClinVar contains an entry for this variant (Variation ID: 1023175). Algorithms developed to predict the effect of missense changes on protein structure and function are either unavailable or do not agree on the potential impact of this missense change (SIFT: "Deleterious"; PolyPhen-2: "Not Available"; Align-GVGD: "Class C0"). In summary, the available evidence is currently insufficient to determine the role of this variant in disease. Therefore, it has been classified as a Variant of Uncertain Significance.

Revvity Omics, Revvity
Classification: Uncertain significance. Last evaluated: 2021-09-16. Review status: criteria provided, single submitter. Criteria: ACMG Guidelines, 2015. Collection method: clinical testing. Allele origin: germline.

Natera, Inc.
Classification: Uncertain significance for Nemaline myopathy type 2. Last evaluated: 2021-04-28. Review status: no assertion criteria provided. Collection method: clinical testing. Allele origin: germline. Not counted in ClinVar's aggregate classification.

NM_001164508.2(NEB):c.8659C>T (p.Arg2887Trp)

Gene: NEB (nebulin; minus strand). Cytogenetic location: 2q23.3.
Variant type: single nucleotide variant.
Coding change: c.8659C>T on transcript NM_001164508.2 (MANE Select); coding-DNA position 8659, C replaced by T.
Protein change: p.Arg2887Trp; replaces arginine 2887 with tryptophan.
Molecular consequence: missense variant.
Genome position (GRCh38, 1-based): chr2:151,640,381, G>A on the plus strand (C>T on the coding strand, the complement: NEB is on the minus strand). VCF-style: chr2-151640381-G-A. GRCh37 (hg19) VCF-style: chr2-152496895-G-A.
Other names: c.8659C>T, p.Arg2887Trp (NM_001164507.2, NM_001271208.2, NM_004543.5); short protein forms R2887W.
Identifiers: ClinVar variation 1023175 (VCV001023175.12), dbSNP rs748618562, ClinGen allele CA1909537.